The following is an entry in ClinVar:

NM_001916.5(CYC1):c.469G>A (p.Gly157Ser)

Gene: CYC1 (cytochrome c1; plus strand). Cytogenetic location: 8q24.3.
Variant type: single nucleotide variant.
Coding change: c.469G>A on transcript NM_001916.5 (MANE Select); coding-DNA position 469, G replaced by A.
Protein change: p.Gly157Ser; replaces glycine 157 with serine.
Molecular consequence: missense variant.
Genome position (GRCh38, 1-based): chr8:144,096,352, G>A. VCF-style: chr8-144096352-G-A. GRCh37 (hg19) VCF-style: chr8-145151255-G-A.
Other names: short protein forms G157S.
Identifiers: ClinVar variation 4057095 (VCV004057095.1).

ClinVar aggregate classification (germline): Uncertain significance (1 of 4 stars; one submission).

Submission:

GeneDx
Classification: Uncertain significance. Last evaluated: 2025-01-13. Review status: criteria provided, single submitter. Criteria: GeneDx Variant Classification Process June 2021. Collection method: clinical testing. Allele origin: germline. Affected: yes.
Comment: Not observed at significant frequency in large population cohorts (gnomAD); In silico analysis supports that this missense variant has a deleterious effect on protein structure/function; Has not been previously published as pathogenic or benign to our knowledge; This variant is associated with the following publications: (PMID: 11279090)